The following is an entry in ClinVar:

NM_003839.4(TNFRSF11A):c.1626C>A (p.Phe542Leu)

Gene: TNFRSF11A (TNF receptor superfamily member 11a; plus strand). Cytogenetic location: 18q21.33.
Variant type: single nucleotide variant.
Coding change: c.1626C>A on transcript NM_003839.4 (MANE Select); coding-DNA position 1626, C replaced by A.
Protein change: p.Phe542Leu; replaces phenylalanine 542 with leucine.
Molecular consequence: missense variant. On other transcripts: 3 prime UTR variant (1).
Genome position (GRCh38, 1-based): chr18:62,384,809, C>A. VCF-style: chr18-62384809-C-A. GRCh37 (hg19) VCF-style: chr18-60052042-C-A.
Other names: c.*50C>A (NM_001270949.2); c.789C>A, p.Phe263Leu (NM_001270950.2); c.675C>A, p.Phe225Leu (NM_001270951.2); c.1584C>A, p.Phe528Leu (NM_001278268.2); short protein forms F542L, F225L, F263L, F528L.
Identifiers: ClinVar variation 2719069 (VCV002719069.3), dbSNP rs773225029, ClinGen allele CA8984010.

ClinVar aggregate classification (germline): Uncertain significance (1 of 4 stars; one submission).

Allele frequency attached by ClinVar (database versions not stated): TOPMed below 0.00001; ExAC 0.00004.
gnomAD v4.1: 11 of 1,612,710 alleles (0.00068%); highest among the groups gnomAD compares: Admixed American, 0.01%; no homozygotes.

Submission:

Labcorp Genetics (formerly Invitae), Labcorp
Classification: Uncertain significance. Last evaluated: 2024-12-12. Review status: criteria provided, single submitter. Criteria: Invitae Variant Classification Sherloc (09022015). Collection method: clinical testing. Allele origin: germline.
Comment: This sequence change replaces phenylalanine, which is neutral and non-polar, with leucine, which is neutral and non-polar, at codon 542 of the TNFRSF11A protein (p.Phe542Leu). This variant is present in population databases (rs773225029, gnomAD 0.01%). This variant has not been reported in the literature in individuals affected with TNFRSF11A-related conditions. ClinVar contains an entry for this variant (Variation ID: 2719069). An algorithm developed to predict the effect of missense changes on protein structure and function (PolyPhen-2) suggests that this variant is likely to be disruptive. In summary, the available evidence is currently insufficient to determine the role of this variant in disease. Therefore, it has been classified as a Variant of Uncertain Significance.